The following is an entry in ClinVar:

ClinVar aggregate classification (germline): Uncertain significance (1 of 4 stars; one submission).

Conditions:
46,XY sex reversal 6. Also called: 46,XY GONADAL DYSGENESIS, PARTIAL OR COMPLETE, MAP3K1-RELATED; 46,XY SEX REVERSAL, PARTIAL OR COMPLETE, MAP3K1-RELATED. Identifiers: MedGen C3151064, MONDO:0013410, OMIM 613762.

Submission:

Labcorp Genetics (formerly Invitae), Labcorp
Classification: Uncertain significance for 46,XY sex reversal 6. Last evaluated: 2025-07-31. Review status: criteria provided, single submitter. Criteria: Invitae Variant Classification Sherloc (09022015). Collection method: clinical testing. Allele origin: germline.
Comment: This sequence change replaces isoleucine, which is neutral and non-polar, with serine, which is neutral and polar, at codon 1219 of the MAP3K1 protein (p.Ile1219Ser). This variant is not present in population databases (gnomAD no frequency). This variant has not been reported in the literature in individuals affected with MAP3K1-related conditions. Invitae Evidence Modeling of protein sequence and biophysical properties (such as structural, functional, and spatial information, amino acid conservation, physicochemical variation, residue mobility, and thermodynamic stability) indicates that this missense variant is not expected to disrupt MAP3K1 protein function with a negative predictive value of 80%. In summary, the available evidence is currently insufficient to determine the role of this variant in disease. Therefore, it has been classified as a Variant of Uncertain Significance.

NM_005921.2(MAP3K1):c.3656T>G (p.Ile1219Ser)

Genes: MAP3K1 (mitogen-activated protein kinase kinase kinase 1; plus strand), LOC126807392 (CDK7 strongly-dependent group 2 enhancer GRCh37_chr5:56178189-56179388; plus strand). Cytogenetic location: 5q11.2.
Variant type: single nucleotide variant.
Coding change: c.3656T>G on transcript NM_005921.2 (MANE Select); coding-DNA position 3656, T replaced by G.
Protein change: p.Ile1219Ser; replaces isoleucine 1219 with serine.
Molecular consequence: missense variant.
Genome position (GRCh38, 1-based): chr5:56,882,856, T>G. VCF-style: chr5-56882856-T-G. GRCh37 (hg19) VCF-style: chr5-56178683-T-G.
Other names: short protein forms I1219S.
Identifiers: ClinVar variation 4807488 (VCV004807488.1).